The following is an entry in ClinVar:

ClinVar aggregate classification (germline): Uncertain significance (1 of 4 stars; one submission).

gnomAD v4.1: 6 of 1,612,970 alleles (0.00037%); highest among the groups gnomAD compares: African/African-American, 0.0053%; no homozygotes.

Submission:

Labcorp Genetics (formerly Invitae), Labcorp
Classification: Uncertain significance. Last evaluated: 2025-07-02. Review status: criteria provided, single submitter. Criteria: Invitae Variant Classification Sherloc (09022015). Collection method: clinical testing. Allele origin: germline.
Comment: This sequence change replaces proline, which is neutral and non-polar, with alanine, which is neutral and non-polar, at codon 51 of the GDF5 protein (p.Pro51Ala). This variant is present in population databases (rs752406359, gnomAD 0.007%). This variant has not been reported in the literature in individuals affected with GDF5-related conditions. An algorithm developed to predict the effect of missense changes on protein structure and function (PolyPhen-2) suggests that this variant is likely to be tolerated. In summary, the available evidence is currently insufficient to determine the role of this variant in disease. Therefore, it has been classified as a Variant of Uncertain Significance.

NM_000557.5(GDF5):c.151C>G (p.Pro51Ala)

Gene: GDF5 (growth differentiation factor 5; minus strand). Cytogenetic location: 20q11.22.
Variant type: single nucleotide variant.
Coding change: c.151C>G on transcript NM_000557.5 (MANE Select); coding-DNA position 151, C replaced by G.
Protein change: p.Pro51Ala; replaces proline 51 with alanine.
Molecular consequence: missense variant.
Genome position (GRCh38, 1-based): chr20:35,437,778, G>C on the plus strand (C>G on the coding strand, the complement: GDF5 is on the minus strand). VCF-style: chr20-35437778-G-C. GRCh37 (hg19) VCF-style: chr20-34025558-G-C.
Other names: c.151C>G, p.Pro51Ala (NM_001319138.2); short protein forms P51A.
Identifiers: ClinVar variation 4707282 (VCV004707282.1).